The following is an entry in ClinVar:

NM_000062.3(SERPING1):c.35T>G (p.Leu12Arg)

Gene: SERPING1 (serpin family G member 1; plus strand). Cytogenetic location: 11q12.1.
Variant type: single nucleotide variant.
Coding change: c.35T>G on transcript NM_000062.3 (MANE Select); coding-DNA position 35, T replaced by G.
Protein change: p.Leu12Arg; replaces leucine 12 with arginine.
Molecular consequence: missense variant.
Genome position (GRCh38, 1-based): chr11:57,598,305, T>G. VCF-style: chr11-57598305-T-G. GRCh37 (hg19) VCF-style: chr11-57365778-T-G.
Other names: c.35T>G, p.Leu12Arg (NM_001032295.2); short protein forms L12R.
Identifiers: ClinVar variation 3255467 (VCV003255467.2), dbSNP rs2495421098.

ClinVar aggregate classification (germline): Likely pathogenic (1 of 4 stars; one submission).

Conditions:
Hereditary angioedema type 1 (HAE1). Identifiers: Orphanet 100050, Orphanet 100051, Orphanet 91378, MedGen C2717906, MONDO:0015053, OMIM 106100.

Submission:

DNA-diagnostics Laboratory, Research Centre For Medical Genetics
Classification: Likely pathogenic for Hereditary angioedema type 1. Last evaluated: 2024-07-20. Review status: criteria provided, single submitter. Criteria: ACMG Guidelines, 2015. Collection method: research. Allele origin: germline. Inheritance: Sporadic. Affected: yes. Observed: 1 heterozygote.
Comment: According to our observation and the published information of Bafunno et al., 2014, the c.35T>G variant in SERPING1 meets ACMG/ClinGen SVI guidance criteria to be classified as likely pathogenic: PP4_Mod, PS4_Mod, PM2_Sup, PP2, PP3

Literature cited by the submitters: PubMed 24456027.